The following is an entry in ClinVar:

ClinVar aggregate classification (germline): Uncertain significance (1 of 4 stars; one submission).

Conditions:
Developmental and epileptic encephalopathy, 27 (DEE27). Also called: Epileptic encephalopathy, early infantile, 27; GRIN2B-Related Neurodevelopmental Disorder. Identifiers: Orphanet 3451, MedGen C4015316, MONDO:0014505, OMIM 616139.

Submission:

Neuberg Centre For Genomic Medicine, NCGM
Classification: Uncertain significance for Developmental and epileptic encephalopathy, 27. Last evaluated: 2023-02-14. Review status: criteria provided, single submitter. Criteria: ACMG Guidelines, 2015. Collection method: clinical testing. Allele origin: germline. Inheritance: Autosomal dominant inheritance. Affected: yes.
Comment: The missense c.3073A>T (p.Ile1025Phe) variant in the GRIN2B gene has not been reported previously as a pathogenic variant nor as a benign variant, to our knowledge. The variant is novel (not in any individuals) in gnomAD Exomes and 1000 Genomes. The amino acid Isoleucine at position 1025 is changed to a Phenylalanine changing protein sequence and it might alter its composition and physico-chemical properties. The amino acid change p.Ile1025Phe in GRIN2B is predicted as conserved by GERP++ and PhyloP across 100 vertebrates. For these reasons, this variant has been classified as Uncertain Significance.

NM_000834.5(GRIN2B):c.3073A>T (p.Ile1025Phe)

Gene: GRIN2B (glutamate ionotropic receptor NMDA type subunit 2B; minus strand). Cytogenetic location: 12p13.1.
Variant type: single nucleotide variant.
Coding change: c.3073A>T on transcript NM_000834.5 (MANE Select); coding-DNA position 3073, A replaced by T.
Protein change: p.Ile1025Phe; replaces isoleucine 1025 with phenylalanine.
Molecular consequence: missense variant.
Genome position (GRCh38, 1-based): chr12:13,564,165, T>A on the plus strand (A>T on the coding strand, the complement: GRIN2B is on the minus strand). VCF-style: chr12-13564165-T-A. GRCh37 (hg19) VCF-style: chr12-13717099-T-A.
Other names: c.3073A>T, p.Ile1025Phe (NM_001413992.1); short protein forms I1025F.
Identifiers: ClinVar variation 2671734 (VCV002671734.1), dbSNP rs2136405492, ClinGen allele CA383992238.